The following is an entry in ClinVar:

ClinVar aggregate classification (germline): Conflicting classifications of pathogenicity. Review status: criteria provided, conflicting classifications (1 of 4 stars). 2 submissions from 2 submitters: Likely pathogenic (1); Uncertain significance (1). Last evaluated 2026-02-17.

Conditions:
CUBN-related disorders.

gnomAD v4.1: 54 of 1,614,156 alleles (0.0033%); highest among the groups gnomAD compares: African/African-American, 0.0053%; no homozygotes.

Submissions (2):

GeneDx
Classification: Uncertain significance. Last evaluated: 2026-02-17. Review status: criteria provided, single submitter. Criteria: GeneDx Variant Classification Process June 2021. Collection method: clinical testing. Allele origin: germline.
Comment: Not observed at significant frequency in large population cohorts (gnomAD); In silico analysis supports that this missense variant has a deleterious effect on protein structure/function; Has not been previously published as pathogenic or benign to our knowledge

Blueprint Genetics
Classification: Likely pathogenic for CUBN-related disorders. Last evaluated: 2024-01-18. Review status: criteria provided, single submitter. Criteria: ACMG Guidelines, 2015. Collection method: clinical testing. Allele origin: germline. Affected: yes. Observed: 3 variant alleles.

NM_001081.4(CUBN):c.680A>G (p.His227Arg)

Genes: CUBN (cubilin; minus strand), LOC126860871 (MED14-independent group 3 enhancer GRCh37_chr10:17157167-17158366; plus strand). Cytogenetic location: 10p13.
Variant type: single nucleotide variant.
Coding change: c.680A>G on transcript NM_001081.4 (MANE Select); coding-DNA position 680, A replaced by G.
Protein change: p.His227Arg; replaces histidine 227 with arginine.
Molecular consequence: missense variant.
Genome position (GRCh38, 1-based): chr10:17,115,511, T>C on the plus strand (A>G on the coding strand, the complement: CUBN is on the minus strand). VCF-style: chr10-17115511-T-C. GRCh37 (hg19) VCF-style: chr10-17157510-T-C.
Other names: short protein forms H227R.
Identifiers: ClinVar variation 4906706 (VCV004906706.2).